The following is an entry in ClinVar:

NM_000918.4(P4HB):c.1238C>T (p.Thr413Met)

Gene: P4HB (prolyl 4-hydroxylase subunit beta; minus strand). Cytogenetic location: 17q25.3.
Variant type: single nucleotide variant.
Coding change: c.1238C>T on transcript NM_000918.4 (MANE Select); coding-DNA position 1238, C replaced by T.
Protein change: p.Thr413Met; replaces threonine 413 with methionine.
Molecular consequence: missense variant.
Genome position (GRCh38, 1-based): chr17:81,845,682, G>A on the plus strand (C>T on the coding strand, the complement: P4HB is on the minus strand). VCF-style: chr17-81845682-G-A. GRCh37 (hg19) VCF-style: chr17-79803558-G-A.
Other names: c.1238C>T (NM_000918.3); short protein forms T413M.
Identifiers: ClinVar variation 1371854 (VCV001371854.9), dbSNP rs148639349, ClinGen allele CA8842675.
Genomic context (GRCh38, chr17:81,845,682, plus strand): 5'-TCCACCTCGTTGGCAGTCGAGTCCATCTTGGCGATGACGATGTTCTCATGGTCCTTGTAC[G>A]TCTCTCCCAGTTTATCCCAAATGGGAGCCAACTGTTTGCAGTGACCACACCATGGGGCAT-3'
Protein context (NP_000909.2, residues 403-423): LAPIWDKLGE[Thr413Met]YKDHENIVIA

ClinVar aggregate classification (germline): Uncertain significance. Review status: criteria provided, multiple submitters, no conflicts (2 of 4 stars). 2 submissions from 2 submitters: Uncertain significance (2). Last evaluated 2025-12-22.

Conditions:
Inborn genetic diseases. Identifiers: MedGen C0950123, MeSH D030342.

Allele frequency attached by ClinVar (database versions not stated): ExAC 0.00007; gnomAD exomes 0.00007; ESP Exome Variant Server 0.00015; gnomAD 0.00018 and 0.00021.
gnomAD v4.1: 192 of 1,613,720 alleles (0.012%); highest among the groups gnomAD compares: African/African-American, 0.037%; no homozygotes.

Submissions (2):

Labcorp Genetics (formerly Invitae), Labcorp
Classification: Uncertain significance. Last evaluated: 2025-12-22. Review status: criteria provided, single submitter. Criteria: Invitae Variant Classification Sherloc (09022015). Collection method: clinical testing. Allele origin: germline.
Comment: This sequence change replaces threonine, which is neutral and polar, with methionine, which is neutral and non-polar, at codon 413 of the P4HB protein (p.Thr413Met). This variant is present in population databases (rs148639349, gnomAD 0.05%), and has an allele count higher than expected for a pathogenic variant. This variant has not been reported in the literature in individuals affected with P4HB-related conditions. ClinVar contains an entry for this variant (Variation ID: 1371854). Invitae Evidence Modeling of protein sequence and biophysical properties (such as structural, functional, and spatial information, amino acid conservation, physicochemical variation, residue mobility, and thermodynamic stability) indicates that this missense variant is not expected to disrupt P4HB protein function with a negative predictive value of 80%. In summary, the available evidence is currently insufficient to determine the role of this variant in disease. Therefore, it has been classified as a Variant of Uncertain Significance.

Ambry Genetics
Classification: Uncertain significance for Inborn genetic diseases. Last evaluated: 2021-10-22. Review status: criteria provided, single submitter. Criteria: Ambry Variant Classification Scheme 2023. Collection method: clinical testing. Allele origin: germline.